The following is an entry in ClinVar:

NM_000373.4(UMPS):c.688C>T (p.Arg230Cys)

Gene: UMPS (uridine monophosphate synthetase; plus strand). Cytogenetic location: 3q21.2.
Variant type: single nucleotide variant.
Coding change: c.688C>T on transcript NM_000373.4 (MANE Select); coding-DNA position 688, C replaced by T.
Protein change: p.Arg230Cys; replaces arginine 230 with cysteine.
Molecular consequence: missense variant. On other transcripts: non-coding transcript variant (2).
Genome position (GRCh38, 1-based): chr3:124,737,945, C>T. VCF-style: chr3-124737945-C-T. GRCh37 (hg19) VCF-style: chr3-124456792-C-T.
Other names: short protein forms R230C.
Identifiers: ClinVar variation 2636201 (VCV002636201.4), dbSNP rs772436591, ClinGen allele CA354276112.

ClinVar aggregate classification (germline): Uncertain significance. Review status: criteria provided, multiple submitters, no conflicts (2 of 4 stars). 2 submissions from 2 submitters: Uncertain significance (2). Last evaluated 2023-03-27.

Conditions:
UMPS-related disorder. Also called: UMPS-related condition.
Hereditary orotic aciduria, type 1. Also called: Orotic aciduria type 1; Oroticaciduria 1. Identifiers: MedGen C0268130.

Allele frequency attached by ClinVar (database versions not stated): TOPMed below 0.00001; gnomAD 0.00001; gnomAD exomes 0.00001.

Submissions (2):

Labcorp Genetics (formerly Invitae), Labcorp
Classification: Uncertain significance for Hereditary orotic aciduria, type 1. Last evaluated: 2023-03-27. Review status: criteria provided, single submitter. Criteria: Invitae Variant Classification Sherloc (09022015). Collection method: clinical testing. Allele origin: germline.
Comment: This variant is not present in population databases (gnomAD no frequency). In summary, the available evidence is currently insufficient to determine the role of this variant in disease. Therefore, it has been classified as a Variant of Uncertain Significance. Advanced modeling of protein sequence and biophysical properties (such as structural, functional, and spatial information, amino acid conservation, physicochemical variation, residue mobility, and thermodynamic stability) performed at Invitae indicates that this missense variant is expected to disrupt UMPS protein function. This missense change has been observed in individual(s) with clinical features of UMPS-related conditions (PMID: 28205048). This sequence change replaces arginine, which is basic and polar, with cysteine, which is neutral and slightly polar, at codon 230 of the UMPS protein (p.Arg230Cys).

PreventionGenetics, part of Exact Sciences
Classification: Uncertain significance for UMPS-related condition. Last evaluated: 2022-10-21. Review status: criteria provided, single submitter. Criteria: ACMG Guidelines, 2015. Collection method: clinical testing. Allele origin: germline.
Comment: The UMPS c.688C>T variant is predicted to result in the amino acid substitution p.Arg230Cys. This variant was reported in the heterozygous state in an individual with mild and isolated orotic aciduria, with no suspected clinical consequence (Wortmann et al 2017. PubMed ID: 28205048). This variant has not been reported in a large population database, indicating this variant is rare. Although we suspect that this variant may be pathogenic for autosomal recessive orotic aciduria, at this time, the clinical significance of this variant is uncertain due to the absence of conclusive functional and genetic evidence.

Literature cited by the submitters: PubMed 28205048 (cited by Labcorp Genetics (formerly Invitae), Labcorp).